The following is an entry in ClinVar:

NM_004036.5(ADCY3):c.504G>T (p.Thr168=)

Gene: ADCY3 (adenylate cyclase 3; minus strand). Cytogenetic location: 2p23.3.
Variant type: single nucleotide variant.
Coding change: c.504G>T on transcript NM_004036.5 (MANE Select); coding-DNA position 504, G replaced by T.
Protein change: p.Thr168=; no amino-acid change (threonine 168 retained).
Molecular consequence: synonymous variant.
Genome position (GRCh38, 1-based): chr2:24,918,484, C>A on the plus strand (G>T on the coding strand, the complement: ADCY3 is on the minus strand). VCF-style: chr2-24918484-C-A. GRCh37 (hg19) VCF-style: chr2-25141353-C-A.
Other names: c.504G>T, p.Thr168= (NM_001320613.2, NM_001377128.1, NM_001377129.1 and 2 more transcripts).
Identifiers: ClinVar variation 4991053 (VCV004991053.1).

ClinVar aggregate classification (germline): Likely benign (1 of 4 stars; one submission).

Conditions:
ADCY3-related disorder. Also called: ADCY3-related condition.

Submission:

PreventionGenetics, part of Exact Sciences
Classification: Likely benign for ADCY3-related condition. Last evaluated: 2025-10-30. Review status: criteria provided, single submitter. Criteria: ACMG Guidelines, 2015. Collection method: clinical testing. Allele origin: germline.
Comment: This variant is classified as likely benign based on ACMG/AMP sequence variant interpretation guidelines (Richards et al. 2015 PMID: 25741868, with internal and published modifications).